The following is an entry in ClinVar:

ClinVar aggregate classification (germline): Pathogenic. Review status: criteria provided, single submitter (1 of 4 stars). 2 submissions from 2 submitters: Pathogenic (1). 1 of the submissions does not count toward it. Last evaluated 2021-12-18.

Conditions:
Familial thoracic aortic aneurysm and aortic dissection (TAAD). Also called: Thoracic aortic aneurysms and dissections. Identifiers: Orphanet 91387, MedGen C4707243, MONDO:0019625.
Marfan syndrome (MFS). Also called: Marfan syndrome type 1; Marfan syndrome, classic; Marfan's syndrome; FBN1-Related Marfan Syndrome; MARFAN SYNDROME, TYPE I. Identifiers: Orphanet 284963, Orphanet 558, MedGen C0024796, MONDO:0007947, OMIM 154700.

Submissions (2):

Labcorp Genetics (formerly Invitae), Labcorp
Classification: Pathogenic for Marfan syndrome; Familial thoracic aortic aneurysm and aortic dissection. Last evaluated: 2021-12-18. Review status: criteria provided, single submitter. Criteria: Invitae Variant Classification Sherloc (09022015). Collection method: clinical testing. Allele origin: germline.
Comment: For these reasons, this variant has been classified as Pathogenic. This variant disrupts the p.Cys1171 amino acid residue in FBN1. Other variant(s) that disrupt this residue have been observed in individuals with FBN1-related conditions (PMID: 9338581, 10486319; Invitae), which suggests that this may be a clinically significant amino acid residue. This variant affects a cysteine residue in the EGF-like, TGFBP or hybrid motif domains of FBN1. Cysteine residues are believed to be involved in intramolecular disulfide bridges and have been shown to be important for FBN1 protein structure (PMID: 16905551, 19349279). In addition, missense substitutions affecting cysteine residues within these domains are significantly overrepresented among patients with Marfan syndrome (PMID: 16571647, 17701892). Advanced modeling of protein sequence and biophysical properties (such as structural, functional, and spatial information, amino acid conservation, physicochemical variation, residue mobility, and thermodynamic stability) performed at Invitae indicates that this missense variant is expected to disrupt FBN1 protein function. ClinVar contains an entry for this variant (Variation ID: 549170). This missense change has been observed in individual(s) with clinical features of Marfan syndrome (PMID: 27906200). This variant is not present in population databases (gnomAD no frequency). This sequence change replaces cysteine, which is neutral and slightly polar, with tyrosine, which is neutral and polar, at codon 1171 of the FBN1 protein (p.Cys1171Tyr).

Center for Medical Genetics Ghent, University of Ghent
Classification: Likely pathogenic for Marfan syndrome. Last evaluated: 2017-11-07. Review status: no assertion criteria provided. Collection method: clinical testing. Allele origin: germline. Affected: yes. Not counted in ClinVar's aggregate classification.

Literature cited by the submitters: PubMed 9338581 (cited by Labcorp Genetics (formerly Invitae), Labcorp); PubMed 10486319 (cited by Labcorp Genetics (formerly Invitae), Labcorp); PubMed 16905551 (cited by Labcorp Genetics (formerly Invitae), Labcorp); PubMed 19349279 (cited by Labcorp Genetics (formerly Invitae), Labcorp); PubMed 16571647 (cited by Labcorp Genetics (formerly Invitae), Labcorp); PubMed 17701892 (cited by Labcorp Genetics (formerly Invitae), Labcorp); PubMed 27906200 (cited by Labcorp Genetics (formerly Invitae), Labcorp).

NM_000138.5(FBN1):c.3512G>A (p.Cys1171Tyr)

Gene: FBN1 (fibrillin 1; minus strand). Cytogenetic location: 15q21.1.
Variant type: single nucleotide variant.
Coding change: c.3512G>A on transcript NM_000138.5 (MANE Select); coding-DNA position 3512, G replaced by A.
Protein change: p.Cys1171Tyr; replaces cysteine 1171 with tyrosine.
Molecular consequence: missense variant.
Genome position (GRCh38, 1-based): chr15:48,487,152, C>T on the plus strand (G>A on the coding strand, the complement: FBN1 is on the minus strand). VCF-style: chr15-48487152-C-T. GRCh37 (hg19) VCF-style: chr15-48779349-C-T.
Other names: short protein forms C1171Y.
Identifiers: ClinVar variation 549170 (VCV000549170.5), dbSNP rs1555398521, ClinGen allele CA392325190.